The following is an entry in ClinVar:

NM_001012614.2(CTBP1):c.346G>T (p.Glu116Ter)

Gene: CTBP1 (C-terminal binding protein 1; minus strand). Cytogenetic location: 4p16.3.
Variant type: single nucleotide variant.
Coding change: c.346G>T on transcript NM_001012614.2 (MANE Select); coding-DNA position 346, G replaced by T.
Protein change: p.Glu116Ter; replaces glutamic acid 116 with a stop codon.
Molecular consequence: nonsense.
Genome position (GRCh38, 1-based): chr4:1,225,528, C>A on the plus strand (G>T on the coding strand, the complement: CTBP1 is on the minus strand). VCF-style: chr4-1225528-C-A. GRCh37 (hg19) VCF-style: chr4-1219316-C-A.
Other names: c.379G>T, p.Glu127Ter (NM_001328.3, NM_001377186.1); c.346G>T, p.Glu116Ter (NM_001377187.1, NM_001377188.1, NM_001377189.1 and 4 more transcripts); short protein forms E127*, E116*.
Identifiers: ClinVar variation 4722264 (VCV004722264.1).

ClinVar aggregate classification (germline): Uncertain significance (1 of 4 stars; one submission).

Submission:

Labcorp Genetics (formerly Invitae), Labcorp
Classification: Uncertain significance. Last evaluated: 2025-07-07. Review status: criteria provided, single submitter. Criteria: Invitae Variant Classification Sherloc (09022015). Collection method: clinical testing. Allele origin: germline.
Comment: This sequence change creates a premature translational stop signal (p.Glu127*) in the CTBP1 gene. It is expected to result in an absent or disrupted protein product. However, the current clinical and genetic evidence is not sufficient to establish whether loss-of-function variants in CTBP1 cause disease. This variant is not present in population databases (gnomAD no frequency). This variant has not been reported in the literature in individuals affected with CTBP1-related conditions. In summary, the available evidence is currently insufficient to determine the role of this variant in disease. Therefore, it has been classified as a Variant of Uncertain Significance.